The following is an entry in ClinVar:

NM_007194.4(CHEK2):c.1118dup (p.Ile374fs)

Gene: CHEK2 (checkpoint kinase 2; minus strand). Cytogenetic location: 22q12.1.
Variant type: Duplication.
Coding change: c.1118dup on transcript NM_007194.4 (MANE Select); coding-DNA position 1118, one base duplicated (A; older notation c.1118dupA).
Protein change: p.Ile374fs; shifts the reading frame from isoleucine 374.
Molecular consequence: frameshift variant.
Genome position (GRCh38, 1-based): chr22:28,695,851, T duplicated on the plus strand (A on the coding strand, the reverse complement: CHEK2 is on the minus strand); the first of 2 consecutive T bases (chr22:28,695,851-28,695,852); duplicating either gives the same sequence. VCF-style (leftmost placement, unchanged base first): chr22-28695850-C-CT. GRCh37 (hg19) VCF-style: chr22-29091838-C-CT.
Other names: c.1246dup, p.Ile417Aspfs (NM_001005735.3); c.454dup, p.Ile153Aspfs (NM_001257387.3); c.916dup, p.Ile307Aspfs (NM_001349956.3); c.1030dup, p.Ile345Aspfs (NM_145862.3); short protein forms I374fs, I153fs, I307fs, I345fs, I417fs.
Identifiers: ClinVar variation 853025 (VCV000853025.8), dbSNP rs2052564279, ClinGen allele CA916083796.

ClinVar aggregate classification (germline): Pathogenic (1 of 4 stars; one submission).

Conditions:
Familial cancer of breast. Also called: Hereditary breast cancer; hereditary breast carcinoma; BREAST CANCER, FAMILIAL. Identifiers: Orphanet 227535, MedGen C0346153, MONDO:0016419, OMIM 114480. Disease mechanism: loss of function.

Submission:

Labcorp Genetics (formerly Invitae), Labcorp
Classification: Pathogenic for Familial cancer of breast. Last evaluated: 2019-11-26. Review status: criteria provided, single submitter. Criteria: Invitae Variant Classification Sherloc (09022015). Collection method: clinical testing. Allele origin: germline.
Comment: This sequence change creates a premature translational stop signal (p.Ile374Aspfs*21) in the CHEK2 gene. It is expected to result in an absent or disrupted protein product. For these reasons, this variant has been classified as Pathogenic. Loss-of-function variants in CHEK2 are known to be pathogenic (PMID: 21876083, 24713400). This variant has not been reported in the literature in individuals with CHEK2-related conditions. This variant is not present in population databases (ExAC no frequency).

Literature cited by the submitters: PubMed 21876083; PubMed 24713400.